The following is an entry in ClinVar:

NM_001370100.5(ZMYND11):c.413G>A (p.Ser138Asn)

Gene: ZMYND11 (zinc finger MYND-type containing 11; plus strand). Cytogenetic location: 10p15.3.
Variant type: single nucleotide variant.
Coding change: c.413G>A on transcript NM_001370100.5 (MANE Select); coding-DNA position 413, G replaced by A.
Protein change: p.Ser138Asn; replaces serine 138 with asparagine.
Molecular consequence: missense variant. On other transcripts: non-coding transcript variant (1), intron variant (18).
Genome position (GRCh38, 1-based): chr10:221,331, G>A. VCF-style: chr10-221331-G-A. GRCh37 (hg19) VCF-style: chr10-267271-G-A.
Other names: c.413G>A, p.Ser138Asn (NM_001161482.1, NM_001202468.1, NM_001370097.3 and 11 more transcripts); c.362G>A, p.Ser121Asn (NM_001330057.3, NM_001370112.2); c.347G>A, p.Ser116Asn (NM_001370116.2); c.293G>A, p.Ser98Asn (NM_001370118.2); c.276+11283G>A (NM_001370103.2, NM_001370104.2, NM_001370105.2 and 11 more transcripts); c.210+11283G>A (NM_001370120.2); c.-33-15507G>A (NM_001370124.3); c.225+11283G>A (NM_001370123.2); and 1 more; short protein forms S116N, S121N, S138N, S98N.
Identifiers: ClinVar variation 1803376 (VCV001803376.1), dbSNP rs2539525281, ClinGen allele CA375843143.
Genomic context (GRCh38, chr10:221,331, plus strand): 5'-GTTTTCGTGTGTATCATTCCAAGTGTTTGTCTGATGAGTTCAGGCTTAGAGACAGCAGTA[G>A]TCCCTGGCAGTGCCCAGTTTGCAGGGTGAGTACCTATGAGCTTTCCTGTGCTGGTTAGAG-3'
Protein context (NP_001357029.1, residues 128-148): SDEFRLRDSS[Ser138Asn]PWQCPVCRSI

ClinVar aggregate classification (germline): Uncertain significance (1 of 4 stars; one submission).

Submission:

GeneDx
Classification: Uncertain significance. Last evaluated: 2022-06-07. Review status: criteria provided, single submitter. Criteria: GeneDx Variant Classification Process June 2021. Collection method: clinical testing. Allele origin: germline. Affected: yes.
Comment: Not observed at significant frequency in large population cohorts (gnomAD); In silico analysis supports that this missense variant does not alter protein structure/function; Has not been previously published as pathogenic or benign to our knowledge